The following is an entry in ClinVar:

NM_000551.4(VHL):c.358A>G (p.Arg120Gly)

Genes: VHL (von Hippel-Lindau tumor suppressor; plus strand), LOC107303340 (3p25 von Hippel-Lindau tumor suppressor, E3 ubiquitin protein ligase Alu-mediated recombination region; plus strand). Cytogenetic location: 3p25.3.
Variant type: single nucleotide variant.
Coding change: c.358A>G on transcript NM_000551.4 (MANE Select); coding-DNA position 358, A replaced by G.
Protein change: p.Arg120Gly; replaces arginine 120 with glycine.
Molecular consequence: missense variant. On other transcripts: intron variant (2).
Genome position (GRCh38, 1-based): chr3:10,146,531, A>G. VCF-style: chr3-10146531-A-G. GRCh37 (hg19) VCF-style: chr3-10188215-A-G.
Other names: c.*18-3256A>G (NM_001354723.2); c.341-3256A>G (NM_198156.3); short protein forms R120G.
Identifiers: ClinVar variation 223199 (VCV000223199.14), dbSNP rs869025642, ClinGen allele CA357028.
Genomic context (GRCh38, chr3:10,146,531, plus strand): 5'-GCCACCGGTGTGGCTCTTTAACAACCTTTGCTTGTCCCGATAGGTCACCTTTGGCTCTTC[A>G]GAGATGCAGGGACACACGATGGGCTTCTGGTTAACCAAACTGAATTATTTGTGCCATCTC-3'
Protein context (NP_000542.1, residues 110-130): HSYRGHLWLF[Arg120Gly]DAGTHDGLLV

ClinVar aggregate classification (germline): Likely pathogenic. Review status: criteria provided, multiple submitters, no conflicts (2 of 4 stars). 6 submissions from 6 submitters: Likely pathogenic (3). 3 of the submissions do not count toward it. Last evaluated 2021-06-08.

Conditions:
Von Hippel-Lindau syndrome (VHLS). Also called: Von Hippel-Lindau; von Hippel–Lindau syndrome; VHL syndrome. Identifiers: Orphanet 892, MedGen C0019562, MONDO:0008667, OMIM 193300. Disease mechanism: loss of function.
Chuvash polycythemia. Also called: POLYCYTHEMIA, VHL-DEPENDENT. Identifiers: Orphanet 238557, MedGen C1837915, MONDO:0009892, OMIM 263400.

Submissions (6):

GeneDx
Classification: Likely pathogenic. Last evaluated: 2021-06-08. Review status: criteria provided, single submitter. Criteria: GeneDx Variant Classification Process June 2021. Collection method: clinical testing. Allele origin: germline. Affected: yes.
Comment: Not observed in large population cohorts (Lek 2014); In silico analysis supports that this missense variant has a deleterious effect on protein structure/function; This variant is associated with the following publications: (PMID: 30037497, 25867206, 20151405, 11688393, 24132471)

Department of Molecular Diagnostics, Institute of Oncology Ljubljana
Classification: Likely pathogenic for Von Hippel-Lindau syndrome. Last evaluated: 2020-04-02. Review status: criteria provided, single submitter. Criteria: ACMG Guidelines, 2015. Collection method: clinical testing. Allele origin: germline. Affected: yes.

Labcorp Genetics (formerly Invitae), Labcorp
Classification: Likely pathogenic for Von Hippel-Lindau syndrome; Chuvash polycythemia. Last evaluated: 2017-07-31. Review status: criteria provided, single submitter. Criteria: Invitae Variant Classification Sherloc (09022015). Collection method: clinical testing. Allele origin: germline.
Comment: In summary, the currently available evidence indicates that the variant is pathogenic, but additional data are needed to prove that conclusively. Therefore, this variant has been classified as Likely Pathogenic. Algorithms developed to predict the effect of missense changes on protein structure and function (SIFT, PolyPhen-2, Align-GVGD) all suggest that this variant is likely to be disruptive, but these predictions have not been confirmed by published functional studies and their clinical significance is uncertain. This variant has been reported in individuals affected with von Hippel-Lindau disease (PMID: 11688393, 25867206, 20151405). ClinVar contains an entry for this variant (Variation ID: 223199). This variant is not present in population databases (ExAC no frequency). This sequence change replaces arginine with glycine at codon 120 of the VHL protein (p.Arg120Gly). The arginine residue is highly conserved and there is a moderate physicochemical difference between arginine and glycine.

Genomic Diagnostic Laboratory, Division of Genomic Diagnostics, Children's Hospital of Philadelphia
Classification: Likely pathogenic for Von Hippel-Lindau syndrome. Last evaluated: 2016-02-26. Review status: no assertion criteria provided. Collection method: clinical testing. Allele origin: germline. Affected: yes. Observed: 6 variant alleles. Not counted in ClinVar's aggregate classification.

Clinical Genetics DNA and cytogenetics Diagnostics Lab, Erasmus MC, Erasmus Medical Center
Classification: Pathogenic. Review status: no assertion criteria provided. Collection method: clinical testing. Allele origin: germline. Affected: yes. Study: VKGL Data-share Consensus. Not counted in ClinVar's aggregate classification.

Genome Diagnostics Laboratory, University Medical Center Utrecht
Classification: Pathogenic. Review status: no assertion criteria provided. Collection method: clinical testing. Allele origin: germline. Affected: yes. Study: VKGL Data-share Consensus. Not counted in ClinVar's aggregate classification.

Literature cited by the submitters: PubMed 11688393 (cited by Labcorp Genetics (formerly Invitae), Labcorp); PubMed 25867206 (cited by Labcorp Genetics (formerly Invitae), Labcorp); PubMed 20151405 (cited by Labcorp Genetics (formerly Invitae), Labcorp).